The following is an entry in ClinVar:

ClinVar aggregate classification (germline): Benign/Likely benign. Review status: criteria provided, multiple submitters, no conflicts (2 of 4 stars). 11 submissions from 10 submitters: Benign (7); Likely benign (1). 3 of the submissions do not count toward it. Last evaluated 2026-01-19.

Conditions:
Cardiovascular phenotype. Identifiers: MedGen CN230736.
Brugada syndrome 5 (BRGDA5). Identifiers: Orphanet 130, Orphanet 871, MedGen C2748541, MONDO:0013015, OMIM 612838.
Generalized epilepsy with febrile seizures plus, type 1 (GEFSP1). Also called: GEFS+, TYPE 1. Identifiers: Orphanet 36387, MedGen C1858672, MONDO:0011416, OMIM 604233.

Allele frequency attached by ClinVar (database versions not stated): ESP Exome Variant Server 0.00008; gnomAD 0.00082 and 0.00115; gnomAD exomes 0.00115 and 0.00247; TOPMed 0.00157; ExAC 0.00236; 1000 Genomes Project 30x 0.00500; 1000 Genomes Project 0.00539.
gnomAD v4.1: 1,902 of 1,614,200 alleles (0.12%); highest among the groups gnomAD compares: East Asian, 3.2%; 25 homozygotes.

Submissions (16):

Labcorp Genetics (formerly Invitae), Labcorp
Classification: Benign for Brugada syndrome 5. Last evaluated: 2026-01-19. Review status: criteria provided, single submitter. Criteria: Invitae Variant Classification Sherloc (09022015). Collection method: clinical testing. Allele origin: germline.

Women's Health and Genetics/Laboratory Corporation of America, LabCorp
Classification: Benign. Last evaluated: 2024-04-29. Review status: criteria provided, single submitter. Criteria: LabCorp Variant Classification Summary - May 2015. Collection method: clinical testing. Allele origin: germline.

ARUP Laboratories, Molecular Genetics and Genomics, ARUP Laboratories
Classification: Likely benign. Last evaluated: 2023-08-26. Review status: criteria provided, single submitter. Criteria: ARUP Molecular Germline Variant Investigation Process 2024. Collection method: clinical testing. Allele origin: germline.

Illumina Laboratory Services, Illumina
Classification: Benign for Generalized epilepsy with febrile seizures plus, type 1. Last evaluated: 2018-01-12. Review status: criteria provided, single submitter. Criteria: ICSL Variant Classification Criteria 13 December 2019. Collection method: clinical testing. Allele origin: germline.
Comment: This variant was observed in the ICSL laboratory as part of a predisposition screen in an ostensibly healthy population. It had not been previously curated by ICSL or reported in the Human Gene Mutation Database (HGMD: prior to June 1st, 2018), and was therefore a candidate for classification through an automated scoring system. Utilizing variant allele frequency, disease prevalence and penetrance estimates, and inheritance mode, an automated score was calculated to assess if this variant is too frequent to cause the disease. Based on the score and internal cut-off values, a variant classified as benign is not then subjected to further curation. The score for this variant resulted in a classification of benign for this disease.

Illumina Laboratory Services, Illumina
Classification: Benign for Brugada syndrome 5. Last evaluated: 2018-01-12. Review status: criteria provided, single submitter. Criteria: ICSL Variant Classification Criteria 13 December 2019. Collection method: clinical testing. Allele origin: germline.
Comment: the same text as in the submission from Illumina Laboratory Services, Illumina above.

Ambry Genetics
Classification: Benign for Cardiovascular phenotype. Last evaluated: 2016-05-19. Review status: criteria provided, single submitter. Criteria: Ambry Variant Classification Scheme 2023. Collection method: clinical testing. Allele origin: germline.

Eurofins Ntd Llc (ga)
Classification: Benign. Last evaluated: 2015-05-14. Review status: criteria provided, single submitter. Criteria: EGL Classification Definitions 2015. Collection method: clinical testing. Allele origin: germline. Observed: 1 variant allele, 1 heterozygote.

GeneDx
Classification: Benign. Last evaluated: 2011-07-14. Review status: criteria provided, single submitter. Criteria: GeneDx Variant Classification (06012015). Collection method: clinical testing. Allele origin: germline. Affected: yes.
Comment: This variant is considered likely benign or benign based on one or more of the following criteria: it is a conservative change, it occurs at a poorly conserved position in the protein, it is predicted to be benign by multiple in silico algorithms, and/or has population frequency not consistent with disease.

Clinical Genetics, Academic Medical Center
Classification: Benign. Review status: no assertion criteria provided. Collection method: clinical testing. Allele origin: germline. Affected: yes. Study: VKGL Data-share Consensus. Not counted in ClinVar's aggregate classification.

Dr. Peter K. Rogan Lab, Western University
No classification provided (evidence only). Condition: Thyroid cancer, nonmedullary, 1. Review status: no classification provided. Collection method: in vitro. Allele origin: not applicable. Functional consequence: retained intron. Not counted in ClinVar's aggregate classification.

Dr. Peter K. Rogan Lab, Western University
No classification provided (evidence only). Condition: Hepatocellular carcinoma. Review status: no classification provided. Collection method: in vitro. Allele origin: not applicable. Functional consequence: retained intron. Not counted in ClinVar's aggregate classification.

Dr. Peter K. Rogan Lab, Western University
No classification provided (evidence only). Condition: Thymoma. Review status: no classification provided. Collection method: in vitro. Allele origin: not applicable. Functional consequence: retained intron. Not counted in ClinVar's aggregate classification.

Dr. Peter K. Rogan Lab, Western University
No classification provided (evidence only). Condition: Gastric cancer. Review status: no classification provided. Collection method: in vitro. Allele origin: not applicable. Functional consequence: retained intron. Not counted in ClinVar's aggregate classification.

Dr. Peter K. Rogan Lab, Western University
No classification provided (evidence only). Condition: Malignant tumor of esophagus. Review status: no classification provided. Collection method: in vitro. Allele origin: not applicable. Functional consequence: retained intron. Not counted in ClinVar's aggregate classification.

Genome Diagnostics Laboratory, University Medical Center Utrecht
Classification: Benign. Review status: no assertion criteria provided. Collection method: clinical testing. Allele origin: germline. Affected: yes. Study: VKGL Data-share Consensus. Not counted in ClinVar's aggregate classification.

Joint Genome Diagnostic Labs from Nijmegen and Maastricht, Radboudumc and MUMC+
Classification: Likely benign. Review status: no assertion criteria provided. Collection method: clinical testing. Allele origin: germline. Affected: yes. Study: VKGL Data-share Consensus. Not counted in ClinVar's aggregate classification.

NM_001037.5(SCN1B):c.351C>T (p.Gly117=)

Gene: SCN1B (sodium voltage-gated channel beta subunit 1; plus strand). Cytogenetic location: 19q13.11.
Variant type: single nucleotide variant.
Coding change: c.351C>T on transcript NM_001037.5 (MANE Select); coding-DNA position 351, C replaced by T.
Protein change: p.Gly117=; no amino-acid change (glycine 117 retained).
Molecular consequence: synonymous variant.
Genome position (GRCh38, 1-based): chr19:35,033,642, C>T. VCF-style: chr19-35033642-C-T. GRCh37 (hg19) VCF-style: chr19-35524546-C-T.
Other names: p.G117G:GGC>GGT; c.252C>T, p.Gly84= (NM_001321605.2); c.351C>T, p.Gly117= (NM_199037.5).
Identifiers: ClinVar variation 138995 (VCV000138995.35), dbSNP rs3746255, ClinGen allele CA293214.